The following is an entry in ClinVar:

ClinVar aggregate classification (germline): Pathogenic (1 of 4 stars; one submission).

Conditions:
Familial cancer of breast. Also called: BREAST CANCER, FAMILIAL; hereditary breast carcinoma; Hereditary breast cancer. Identifiers: Orphanet 227535, MedGen C0346153, MONDO:0016419, OMIM 114480. Disease mechanism: loss of function.
Fanconi anemia complementation group J. Also called: BRIP1-Related Fanconi Anemia. Identifiers: Orphanet 84, MedGen C1836860, MONDO:0012187, OMIM 609054.

Submission:

Labcorp Genetics (formerly Invitae), Labcorp
Classification: Pathogenic for Familial cancer of breast; Fanconi anemia complementation group J. Last evaluated: 2022-06-30. Review status: criteria provided, single submitter. Criteria: Invitae Variant Classification Sherloc (09022015). Collection method: clinical testing. Allele origin: germline.
Comment: For these reasons, this variant has been classified as Pathogenic. This variant disrupts a region of the BRIP1 protein in which other variant(s) (p.Pro1134Leufs*16) have been determined to be pathogenic (PMID: 16280053, 20616022, 26315354, 26921362). This suggests that this is a clinically significant region of the protein, and that variants that disrupt it are likely to be disease-causing. This variant disrupts the TopBP1-binding region of the BRIP1 protein, which plays a critical role in RPA chromatin loading and the activation of the replication checkpoint in response to DNA damage (PMID: 20159562, 21127055). While functional studies have not been performed to directly test the effect of this variant on BRIP1 protein function, this suggests that disruption of this region of the protein is causative of disease. This variant has not been reported in the literature in individuals affected with BRIP1-related conditions. This variant is a gross deletion of the genomic region encompassing exon(s) 4-20 of the BRIP1 gene, which includes the termination codon. This deletion extends beyond the assayed region for this gene and therefore may encompass additional genes. While this deletion is not anticipated to lead to nonsense mediated decay, it is expected to alter mRNA translation or result in a truncated protein product.

Literature cited by the submitters: PubMed 16280053; PubMed 20616022; PubMed 26315354; PubMed 26921362; PubMed 20159562; PubMed 21127055.

NC_000017.10:g.(?_59760657)_(59934602_?)del

Gene: BRIP1 (BRCA1 interacting DNA helicase 1; minus strand). Cytogenetic location: 17q23.2.
Variant type: Deletion.
Identifiers: ClinVar variation 2426999 (VCV002426999.4).